The following is an entry in ClinVar:

ClinVar aggregate classification (germline): Uncertain significance (1 of 4 stars; one submission).

Allele frequency attached by ClinVar (database versions not stated): TOPMed below 0.00001.
gnomAD v4.1: 4 of 1,613,786 alleles (0.00025%); highest among the groups gnomAD compares: African/African-American, 0.0013%; no homozygotes.

Submission:

Labcorp Genetics (formerly Invitae), Labcorp
Classification: Uncertain significance. Last evaluated: 2022-07-11. Review status: criteria provided, single submitter. Criteria: Invitae Variant Classification Sherloc (09022015). Collection method: clinical testing. Allele origin: germline.
Comment: In summary, the available evidence is currently insufficient to determine the role of this variant in disease. Therefore, it has been classified as a Variant of Uncertain Significance. Algorithms developed to predict the effect of sequence changes on RNA splicing suggest that this variant may create or strengthen a splice site. Algorithms developed to predict the effect of missense changes on protein structure and function are either unavailable or do not agree on the potential impact of this missense change (SIFT: "Tolerated"; PolyPhen-2: "Probably Damaging"; Align-GVGD: "Class C0"). This variant has not been reported in the literature in individuals affected with GTPBP3-related conditions. This variant is present in population databases (no rsID available, gnomAD 0.007%). This sequence change replaces alanine, which is neutral and non-polar, with valine, which is neutral and non-polar, at codon 171 of the GTPBP3 protein (p.Ala171Val).

NM_032620.4(GTPBP3):c.512C>T (p.Ala171Val)

Gene: GTPBP3 (GTP binding protein 3, mitochondrial; plus strand). Cytogenetic location: 19p13.11.
Variant type: single nucleotide variant.
Coding change: c.512C>T on transcript NM_032620.4 (MANE Select); coding-DNA position 512, C replaced by T.
Protein change: p.Ala171Val; replaces alanine 171 with valine.
Molecular consequence: missense variant.
Genome position (GRCh38, 1-based): chr19:17,338,662, C>T. VCF-style: chr19-17338662-C-T. GRCh37 (hg19) VCF-style: chr19-17449471-C-T.
Other names: c.512C>T, p.Ala171Val (NM_001128855.3, NM_133644.4); c.578C>T, p.Ala193Val (NM_001195422.1); short protein forms A193V, A171V.
Identifiers: ClinVar variation 2015929 (VCV002015929.2), dbSNP rs1437542890, ClinGen allele CA404733322.